The following is an entry in ClinVar:

ClinVar aggregate classification (germline): Pathogenic/Likely pathogenic. Review status: criteria provided, multiple submitters, no conflicts (2 of 4 stars). 2 submissions from 2 submitters: Pathogenic (1); Likely pathogenic (1). Last evaluated 2025-04-18.

Conditions:
Amyloidosis, hereditary systemic 1 (AMYLD1). Also called: Familial amyloid polyneuropathy; Transthyretin Amyloidosis; Hereditary Transthyretin Amyloidosis; Isolated Cardiac Amyloidosis; Amyloid Cardiomyopathy, Transthyretin-related; AMYLOID CARDIOMYOPATHY. Identifiers: Orphanet 85447, Orphanet 85451, MedGen C2751492, MONDO:0971004, OMIM 105210.
Cardiovascular phenotype. Identifiers: MedGen CN230736.

Submissions (2):

Ambry Genetics
Classification: Likely pathogenic for Cardiovascular phenotype. Last evaluated: 2025-04-18. Review status: criteria provided, single submitter. Criteria: Ambry Variant Classification Scheme 2023. Collection method: clinical testing. Allele origin: germline.
Comment: The p.G73R variant (also known as c.217G>A), located in coding exon 3 of the TTR gene, results from a G to A substitution at nucleotide position 217. The glycine at codon 73 is replaced by arginine, an amino acid with dissimilar properties. This variant was reported in individual(s) with features consistent with hereditary transthyretin-related amyloidosis (Liepnieks JJ et al. Amyloid, 2011 Jun;18 Suppl 1:160-2). Other variant(s) at the same codon, p.G73E (c.218G>A) have been identified in individual(s) with features consistent with hereditary transthyretin-related amyloidosis (Ellie E et al. Neurology. 2001;57(1):135-7; Holmgren G et al. Amyloid. 2005;12:184-188). This amino acid position is highly conserved in available vertebrate species. In addition, this alteration is predicted to be deleterious by in silico analysis. This variant is considered to be rare based on population cohorts in the Genome Aggregation Database (gnomAD). Based on the majority of available evidence to date, this variant is likely to be pathogenic.

Labcorp Genetics (formerly Invitae), Labcorp
Classification: Pathogenic for Amyloidosis, hereditary systemic 1. Last evaluated: 2025-02-04. Review status: criteria provided, single submitter. Criteria: Invitae Variant Classification Sherloc (09022015). Collection method: clinical testing. Allele origin: germline.
Comment: This sequence change replaces glycine, which is neutral and non-polar, with arginine, which is basic and polar, at codon 73 of the TTR protein (p.Gly73Arg). This variant is not present in population databases (gnomAD no frequency). This missense change has been observed in individual(s) with hereditary transthyretin-mediated amyloidosis (hATTR amyloidosis) (PMID: 21838472; internal data). This variant is also known as p.Gly53Arg. ClinVar contains an entry for this variant (Variation ID: 1067499). Invitae Evidence Modeling of protein sequence and biophysical properties (such as structural, functional, and spatial information, amino acid conservation, physicochemical variation, residue mobility, and thermodynamic stability) indicates that this missense variant is expected to disrupt TTR protein function with a positive predictive value of 95%. This variant disrupts the p.Gly73 amino acid residue in TTR. Other variant(s) that disrupt this residue have been observed in individuals with TTR-related conditions (PMID: 11445644, 16971399), which suggests that this may be a clinically significant amino acid residue. For these reasons, this variant has been classified as Pathogenic.

Literature cited by the submitters: PubMed 21838472 (cited by Ambry Genetics and Labcorp Genetics (formerly Invitae), Labcorp); PubMed 11445644 (cited by Labcorp Genetics (formerly Invitae), Labcorp); PubMed 16971399 (cited by Labcorp Genetics (formerly Invitae), Labcorp).

NM_000371.4(TTR):c.217G>A (p.Gly73Arg)

Gene: TTR (transthyretin; plus strand). Cytogenetic location: 18q12.1.
Variant type: single nucleotide variant.
Coding change: c.217G>A on transcript NM_000371.4 (MANE Select); coding-DNA position 217, G replaced by A.
Protein change: p.Gly73Arg; replaces glycine 73 with arginine.
Molecular consequence: missense variant.
Genome position (GRCh38, 1-based): chr18:31,595,136, G>A. VCF-style: chr18-31595136-G-A. GRCh37 (hg19) VCF-style: chr18-29175099-G-A.
Other names: c.217G>A (NM_000371.3); short protein forms G73R.
Identifiers: ClinVar variation 1067499 (VCV001067499.8), dbSNP rs2144409459, ClinGen allele CA402156920.